The following is an entry in ClinVar:

ClinVar aggregate classification (germline): Conflicting classifications of pathogenicity. Review status: criteria provided, conflicting classifications (1 of 4 stars). 9 submissions from 9 submitters: Uncertain significance (1); Likely benign (7). 1 of the submissions does not count toward it. Last evaluated 2026-10-01.

Conditions:
Hereditary cancer-predisposing syndrome. Also called: Tumor predisposition; Neoplastic Syndromes, Hereditary; Hereditary neoplastic syndrome; Hereditary Cancer Syndrome. Identifiers: Orphanet 140162, MedGen C0027672, MeSH D009386, MONDO:0015356.
Bloom syndrome (BLM). Also called: Bloom-Torre-Machacek syndrome. Identifiers: Orphanet 125, MedGen C0005859, MONDO:0008876, OMIM 210900.

Allele frequency attached by ClinVar (database versions not stated): gnomAD 0.00009 and 0.00011; ExAC 0.00013; gnomAD exomes 0.00014 and 0.00017; TOPMed 0.00023.
gnomAD v4.1: 229 of 1,613,996 alleles (0.014%); highest among the groups gnomAD compares: Admixed American, 0.062%; no homozygotes.

Submissions (9):

CeGaT Center for Human Genetics Tuebingen
Classification: Likely benign. Last evaluated: 2026-10-01. Review status: criteria provided, single submitter. Criteria: CeGaT Center For Human Genetics Tuebingen Variant Classification Criteria Version 2. Collection method: clinical testing. Allele origin: germline. Affected: yes. Observed: 3 variant alleles.
Comment: BLM: BP4, BP7

Labcorp Genetics (formerly Invitae), Labcorp
Classification: Likely benign for Bloom syndrome. Last evaluated: 2026-01-28. Review status: criteria provided, single submitter. Criteria: Invitae Variant Classification Sherloc (09022015). Collection method: clinical testing. Allele origin: germline.

Blueprint Genetics
Classification: Likely benign. Last evaluated: 2024-08-30. Review status: criteria provided, single submitter. Criteria: ACMG Guidelines, 2015. Collection method: clinical testing. Allele origin: germline.

Sema4
Classification: Likely benign for Hereditary cancer-predisposing syndrome. Last evaluated: 2022-01-17. Review status: criteria provided, single submitter. Criteria: Sema4 Curation Guidelines. Collection method: curation. Allele origin: germline.

Genetic Services Laboratory, University of Chicago
Classification: Likely benign. Last evaluated: 2021-07-22. Review status: criteria provided, single submitter. Criteria: ACMG Guidelines, 2015. Collection method: clinical testing. Allele origin: germline. Affected: no.

Women's Health and Genetics/Laboratory Corporation of America, LabCorp
Classification: Likely benign. Last evaluated: 2019-10-10. Review status: criteria provided, single submitter. Criteria: LabCorp Variant Classification Summary - May 2015. Collection method: clinical testing. Allele origin: germline.

Illumina Laboratory Services, Illumina
Classification: Uncertain significance for Bloom syndrome. Last evaluated: 2018-01-12. Review status: criteria provided, single submitter. Criteria: ICSL Variant Classification Criteria 13 December 2019. Collection method: clinical testing. Allele origin: germline.

Ambry Genetics
Classification: Likely benign for Hereditary cancer-predisposing syndrome. Last evaluated: 2017-03-08. Review status: criteria provided, single submitter. Criteria: Ambry Variant Classification Scheme 2023. Collection method: clinical testing. Allele origin: germline.

Natera, Inc.
Classification: Likely benign for Bloom syndrome. Last evaluated: 2017-08-09. Review status: no assertion criteria provided. Collection method: clinical testing. Allele origin: germline. Not counted in ClinVar's aggregate classification.

NM_000057.4(BLM):c.2739C>T (p.Leu913=)

Gene: BLM (BLM RecQ like helicase; plus strand). Cytogenetic location: 15q26.1.
Variant type: single nucleotide variant.
Coding change: c.2739C>T on transcript NM_000057.4 (MANE Select); coding-DNA position 2739, C replaced by T.
Protein change: p.Leu913=; no amino-acid change (leucine 913 retained).
Molecular consequence: synonymous variant.
Genome position (GRCh38, 1-based): chr15:90,784,997, C>T. VCF-style: chr15-90784997-C-T. GRCh37 (hg19) VCF-style: chr15-91328227-C-T.
Other names: c.2739C>T, p.Leu913= (NM_001287246.2, NM_001287247.2); c.1614C>T, p.Leu538= (NM_001287248.2); c.2739C>T (LRG_20t1).
Identifiers: ClinVar variation 317407 (VCV000317407.63), dbSNP rs759223856, ClinGen allele CA7738864.
Genomic context (GRCh38, chr15:90,784,997, plus strand): 5'-TTACTGCCTCTCCAGGCGAGAATGTGACACCATGGCTGACACGTTACAGAGAGATGGGCT[C>T]GCTGCTCTTGCTTACCATGCTGGCCTCAGTGATTCTGCCAGAGATGAAGTGCAGCAGAAG-3'
Protein context (NP_000048.1, residues 903-923): TMADTLQRDG[Leu913=]AALAYHAGLS